The following is an entry in ClinVar:

NM_020699.4(GATAD2B):c.1433G>A (p.Arg478Gln)

Gene: GATAD2B (GATA zinc finger domain containing 2B; minus strand). Cytogenetic location: 1q21.3.
Variant type: single nucleotide variant.
Coding change: c.1433G>A on transcript NM_020699.4 (MANE Select); coding-DNA position 1433, G replaced by A.
Protein change: p.Arg478Gln; replaces arginine 478 with glutamine.
Molecular consequence: missense variant.
Genome position (GRCh38, 1-based): chr1:153,812,119, C>T on the plus strand (G>A on the coding strand, the complement: GATAD2B is on the minus strand). VCF-style: chr1-153812119-C-T. GRCh37 (hg19) VCF-style: chr1-153784595-C-T.
Other names: short protein forms R478Q.
Identifiers: ClinVar variation 2429990 (VCV002429990.5), dbSNP rs143241566, ClinGen allele CA30755314.

ClinVar aggregate classification (germline): Uncertain significance. Review status: criteria provided, multiple submitters, no conflicts (2 of 4 stars). 2 submissions from 2 submitters: Uncertain significance (2). Last evaluated 2022-10-27.

Conditions:
Autism spectrum disorder. Also called: Autism spectrum disorders. Identifiers: MedGen C1510586, MeSH D000067877, MONDO:0005258.

Allele frequency attached by ClinVar (database versions not stated): TOPMed 0.00001; ESP Exome Variant Server 0.00008.
gnomAD v4.1: 5 of 1,606,952 alleles (0.00031%); highest among the groups gnomAD compares: South Asian, 0.0011%; no homozygotes.

Submissions (2):

Labcorp Genetics (formerly Invitae), Labcorp
Classification: Uncertain significance. Last evaluated: 2022-10-27. Review status: criteria provided, single submitter. Criteria: Invitae Variant Classification Sherloc (09022015). Collection method: clinical testing. Allele origin: germline.
Comment: In summary, the available evidence is currently insufficient to determine the role of this variant in disease. Therefore, it has been classified as a Variant of Uncertain Significance. Advanced modeling of protein sequence and biophysical properties (such as structural, functional, and spatial information, amino acid conservation, physicochemical variation, residue mobility, and thermodynamic stability) performed at Invitae indicates that this missense variant is not expected to disrupt GATAD2B protein function. This variant has not been reported in the literature in individuals affected with GATAD2B-related conditions. This variant is not present in population databases (gnomAD no frequency). This sequence change replaces arginine, which is basic and polar, with glutamine, which is neutral and polar, at codon 478 of the GATAD2B protein (p.Arg478Gln).

Department of Genetics, Rouen University Hospital, Normandy Center for Genomic and Personalized Medicine
Classification: Uncertain significance for Autism spectrum disorder. Review status: criteria provided, single submitter. Criteria: ACMG Guidelines, 2015. Collection method: clinical testing. Allele origin: unknown. Affected: yes.